The following is an entry in ClinVar:

NM_005228.5(EGFR):c.738C>T (p.Ser246=)

Gene: EGFR (epidermal growth factor receptor; plus strand). Cytogenetic location: 7p11.2.
Variant type: single nucleotide variant.
Coding change: c.738C>T on transcript NM_005228.5 (MANE Select); coding-DNA position 738, C replaced by T.
Protein change: p.Ser246=; no amino-acid change (serine 246 retained).
Molecular consequence: synonymous variant. On other transcripts: intron variant (1).
Genome position (GRCh38, 1-based): chr7:55,152,655, C>T. VCF-style: chr7-55152655-C-T. GRCh37 (hg19) VCF-style: chr7-55220348-C-T.
Other names: c.603C>T, p.Ser201= (NM_001346897.2, NM_001346899.2); c.738C>T, p.Ser246= (NM_001346898.2, NM_201282.2, NM_201283.2 and 1 more transcripts); c.579C>T, p.Ser193= (NM_001346900.2); c.89-3175C>T (NM_001346941.2); c.738C>T (NM_005228.4, NM_005228.3).
Identifiers: ClinVar variation 1106746 (VCV001106746.12), dbSNP rs772130986, ClinGen allele CA4265326.

ClinVar aggregate classification (germline): Likely benign. Review status: criteria provided, multiple submitters, no conflicts (2 of 4 stars). 3 submissions from 3 submitters: Likely benign (2). 1 of the submissions does not count toward it. Last evaluated 2025-03-10.

Conditions:
EGFR-related disorder. Also called: EGFR-related condition.
Hereditary cancer-predisposing syndrome. Also called: Tumor predisposition; Neoplastic Syndromes, Hereditary; Hereditary Cancer Syndrome; Hereditary neoplastic syndrome. Identifiers: Orphanet 140162, MedGen C0027672, MeSH D009386, MONDO:0015356.
EGFR-related lung cancer (EGFR). Identifiers: MedGen CN130014.

Allele frequency attached by ClinVar (database versions not stated): ExAC 0.00001; gnomAD 0.00001; gnomAD exomes 0.00001.
gnomAD v4.1: 35 of 1,613,410 alleles (0.0022%); highest among the groups gnomAD compares: Non-Finnish European, 0.0023%; no homozygotes.

Submissions (3):

Labcorp Genetics (formerly Invitae), Labcorp
Classification: Likely benign for EGFR-related lung cancer. Last evaluated: 2025-03-10. Review status: criteria provided, single submitter. Criteria: Invitae Variant Classification Sherloc (09022015). Collection method: clinical testing. Allele origin: germline.

Ambry Genetics
Classification: Likely benign for Hereditary cancer-predisposing syndrome. Last evaluated: 2024-12-24. Review status: criteria provided, single submitter. Criteria: Ambry Variant Classification Scheme 2023. Collection method: clinical testing. Allele origin: germline.

PreventionGenetics, part of Exact Sciences
Classification: Likely benign for EGFR-related condition. Last evaluated: 2023-05-30. Review status: no assertion criteria provided. Collection method: clinical testing. Allele origin: germline. Not counted in ClinVar's aggregate classification.
Comment: This variant is classified as likely benign based on ACMG/AMP sequence variant interpretation guidelines (Richards et al. 2015 PMID: 25741868, with internal and published modifications).